The following is an entry in ClinVar:

ClinVar aggregate classification (germline): Uncertain significance (1 of 4 stars; one submission).

Submission:

Labcorp Genetics (formerly Invitae), Labcorp
Classification: Uncertain significance. Last evaluated: 2022-04-25. Review status: criteria provided, single submitter. Criteria: Invitae Variant Classification Sherloc (09022015). Collection method: clinical testing. Allele origin: germline.
Comment: This variant has not been reported in the literature in individuals affected with TNNI3K-related conditions. In summary, the available evidence is currently insufficient to determine the role of this variant in disease. Therefore, it has been classified as a Variant of Uncertain Significance. Experimental studies and prediction algorithms are not available or were not evaluated, and the functional significance of this variant is currently unknown. This variant is a gross deletion of the genomic region encompassing exon(s) 1-2 of the TNNI3K gene, which includes the initiator codon. This deletion extends beyond the assayed region for this gene and therefore may encompass additional genes. It is expected to result in an absent or disrupted protein product. However, the current clinical and genetic evidence is not sufficient to establish whether loss-of-function variants in TNNI3K cause disease.

NC_000001.10:g.(?_74701136)_(74701914_?)del

Genes: FPGT-TNNI3K (FPGT-TNNI3K readthrough; plus strand), TNNI3K (TNNI3 interacting kinase; plus strand). Cytogenetic location: 1p31.1.
Variant type: Deletion.
Identifiers: ClinVar variation 2426249 (VCV002426249.4).